The following is an entry in ClinVar:

ClinVar aggregate classification (germline): Benign. Review status: criteria provided, multiple submitters, no conflicts (2 of 4 stars). 2 submissions from 2 submitters: Benign (2). Last evaluated 2026-01-29.

Conditions:
Cystic leukoencephalopathy without megalencephaly. Identifiers: Orphanet 85136, MedGen C2751843, MONDO:0013058, OMIM 612951.

Allele frequency attached by ClinVar (database versions not stated): ESP Exome Variant Server 0.04037; TOPMed 0.04774; 1000 Genomes Project 30x 0.06964; 1000 Genomes Project 0.07009.
gnomAD v4.1: 19,234 of 1,614,046 alleles (1.2%); highest among the groups gnomAD compares: African/African-American, 13%; 1,033 homozygotes.

Submissions (2):

Labcorp Genetics (formerly Invitae), Labcorp
Classification: Benign. Last evaluated: 2026-01-29. Review status: criteria provided, single submitter. Criteria: Invitae Variant Classification Sherloc (09022015). Collection method: clinical testing. Allele origin: germline.

Illumina Laboratory Services, Illumina
Classification: Benign for Cystic leukoencephalopathy without megalencephaly. Last evaluated: 2018-01-12. Review status: criteria provided, single submitter. Criteria: ICSL Variant Classification Criteria 13 December 2019. Collection method: clinical testing. Allele origin: germline.
Comment: This variant was observed in the ICSL laboratory as part of a predisposition screen in an ostensibly healthy population. It had not been previously curated by ICSL or reported in the Human Gene Mutation Database (HGMD: prior to June 1st, 2018), and was therefore a candidate for classification through an automated scoring system. Utilizing variant allele frequency, disease prevalence and penetrance estimates, and inheritance mode, an automated score was calculated to assess if this variant is too frequent to cause the disease. Based on the score and internal cut-off values, a variant classified as benign is not then subjected to further curation. The score for this variant resulted in a classification of benign for this disease.

NM_003730.6(RNASET2):c.648G>A (p.Pro216=)

Gene: RNASET2 (ribonuclease T2; minus strand). Cytogenetic location: 6q27.
Variant type: single nucleotide variant.
Coding change: c.648G>A on transcript NM_003730.6 (MANE Select); coding-DNA position 648, G replaced by A.
Protein change: p.Pro216=; no amino-acid change (proline 216 retained).
Molecular consequence: synonymous variant.
Genome position (GRCh38, 1-based): chr6:166,929,711, C>T on the plus strand (G>A on the coding strand, the complement: RNASET2 is on the minus strand). VCF-style: chr6-166929711-C-T. GRCh37 (hg19) VCF-style: chr6-167343199-C-T.
Identifiers: ClinVar variation 356029 (VCV000356029.13), dbSNP rs35517174, ClinGen allele CA4094827.